The following is an entry in ClinVar:

ClinVar aggregate classification (germline): Likely benign (0 of 4 stars; one submission).

Conditions:
SNTG1-related disorder. Also called: SNTG1-related condition.

Allele frequency attached by ClinVar (database versions not stated): ExAC 0.00031; 1000 Genomes Project 0.00060; ESP Exome Variant Server 0.00077; 1000 Genomes Project 30x 0.00094; gnomAD 0.00117; TOPMed 0.00122.
gnomAD v4.1: 386 of 1,613,552 alleles (0.024%); highest among the groups gnomAD compares: African/African-American, 0.47%; 3 homozygotes.

Submission:

PreventionGenetics, part of Exact Sciences
Classification: Likely benign for SNTG1-related condition. Last evaluated: 2019-07-16. Review status: no assertion criteria provided. Collection method: clinical testing. Allele origin: germline.
Comment: This variant is classified as likely benign based on ACMG/AMP sequence variant interpretation guidelines (Richards et al. 2015 PMID: 25741868, with internal and published modifications).

NM_018967.5(SNTG1):c.309T>C (p.Asp103=)

Gene: SNTG1 (syntrophin gamma 1; plus strand). Cytogenetic location: 8q11.21.
Variant type: single nucleotide variant.
Coding change: c.309T>C on transcript NM_018967.5 (MANE Select); coding-DNA position 309, T replaced by C.
Protein change: p.Asp103=; no amino-acid change (aspartic acid 103 retained).
Molecular consequence: synonymous variant. On other transcripts: non-coding transcript variant (5).
Genome position (GRCh38, 1-based): chr8:50,450,587, T>C. VCF-style: chr8-50450587-T-C. GRCh37 (hg19) VCF-style: chr8-51363147-T-C.
Other names: c.309T>C, p.Asp103= (NM_001287813.3, NM_001287814.3, NM_001321773.2 and 4 more transcripts).
Identifiers: ClinVar variation 3050357 (VCV003050357.2), dbSNP rs142072860, ClinGen allele CA4743931.